The following is an entry in ClinVar:

Conditions:
Breast-ovarian cancer, familial, susceptibility to, 1 (BROVCA1). Also called: BRCA1 Hereditary Breast and Ovarian Cancer; OVARIAN CANCER, SUSCEPTIBILITY TO. Identifiers: Orphanet 145, MedGen C2676676, MONDO:0011450, OMIM 604370. Disease mechanism: loss of function.

Allele frequency attached by ClinVar (database versions not stated): gnomAD exomes below 0.00001.
gnomAD v4.1: 2 of 1,612,570 alleles (0.00012%); highest among the groups gnomAD compares: Non-Finnish European, 0.00017%; no homozygotes.

Submission:

Brotman Baty Institute, University of Washington
No classification provided (evidence only). Condition: Breast-ovarian cancer, familial 1. Review status: no classification provided. Collection method: in vitro. Allele origin: not applicable. Functional consequence: functionally_normal.
ClinVar note: "not provided" was previously submitted as the classification for the variant. However, the classification appeared to be based only on an observation of functional data so it was converted to no classification on 2025-07-30.

NM_007294.4(BRCA1):c.134+10A>G

Gene: BRCA1 (BRCA1 DNA repair associated; minus strand). Cytogenetic location: 17q21.31.
Variant type: single nucleotide variant.
Coding change: c.134+10A>G on transcript NM_007294.4 (MANE Select); 10 bases into the intron after coding-DNA position 134, A replaced by G.
Molecular consequence: intron variant.
Genome position (GRCh38, 1-based): chr17:43,115,716, T>C on the plus strand (A>G on the coding strand, the complement: BRCA1 is on the minus strand). VCF-style: chr17-43115716-T-C. GRCh37 (hg19) VCF-style: chr17-41267733-T-C.
Other names: c.-8+10A>G (NM_001408458.1, NM_001408470.1, NM_001407848.1 and 47 more transcripts); c.-219+9561A>G (NM_001407967.1); c.-170+9561A>G (NM_001407959.1); c.-7-9183A>G (NM_001407931.1, NM_001407747.1, NM_001408511.1 and 2 more transcripts); c.-170+10A>G (NM_001407962.1, NM_001408512.1, NM_001408510.1 and 1 more transcripts); c.-55+10A>G (NM_001407885.1, NM_001407886.1, NM_001408509.1 and 52 more transcripts); c.-124+10A>G (NM_001407746.1, NM_001408468.1, NM_001407842.1 and 13 more transcripts); c.-8+8301A>G (NM_001408461.1, NM_001407738.1, NM_001407932.1 and 23 more transcripts); and 10 more.
Identifiers: ClinVar variation 865159 (VCV000865159.3), dbSNP rs2055240559, ClinGen allele CA916080984.